The following is an entry in ClinVar:

ClinVar aggregate classification (germline): Uncertain significance (1 of 4 stars; one submission).

Submission:

GeneDx
Classification: Uncertain significance. Last evaluated: 2026-02-11. Review status: criteria provided, single submitter. Criteria: GeneDx Variant Classification Process June 2021. Collection method: clinical testing. Allele origin: germline.
Comment: Not observed at significant frequency in large population cohorts (gnomAD); In silico analysis suggests that this missense variant does not alter protein structure/function; This variant is associated with the following publications: (PMID: 22014425)

NM_005448.2(BMP15):c.169C>G (p.Pro57Ala)

Gene: BMP15 (bone morphogenetic protein 15; plus strand). Cytogenetic location: Xp11.22.
Variant type: single nucleotide variant.
Coding change: c.169C>G on transcript NM_005448.2 (MANE Select); coding-DNA position 169, C replaced by G.
Protein change: p.Pro57Ala; replaces proline 57 with alanine.
Molecular consequence: missense variant.
Genome position (GRCh38, 1-based): chrX:50,910,952, C>G. VCF-style: chrX-50910952-C-G. GRCh37 (hg19) VCF-style: chrX-50653952-C-G.
Other names: short protein forms P57A.
Identifiers: ClinVar variation 4887825 (VCV004887825.1).